The following is an entry in ClinVar:

NM_002778.4(PSAP):c.379_383del (p.Arg127fs)

Gene: PSAP (prosaposin; minus strand). Cytogenetic location: 10q22.1.
Variant type: Deletion.
Coding change: c.379_383del on transcript NM_002778.4 (MANE Select); coding-DNA positions 379 to 383, 5 bases deleted (CGTCC; older notation c.379_383delCGTCC).
Protein change: p.Arg127fs; shifts the reading frame from arginine 127.
Molecular consequence: frameshift variant.
Genome position (GRCh38, 1-based): chr10:71,829,070-71,829,074, GGACG deleted on the plus strand (CGTCC on the coding strand, the reverse complement: PSAP is on the minus strand); deleting any 5 consecutive bases within chr10:71,829,070-71,829,075 gives the same sequence; the c. name uses the placement nearest the transcript's 3' end. VCF-style (leftmost placement, unchanged base first): chr10-71829069-AGGACG-A. GRCh37 (hg19) VCF-style: chr10-73588826-AGGACG-A.
Other names: c.379_383del, p.Arg127fs (NM_001042465.3, NM_001042466.3); short protein forms R127fs.
Identifiers: ClinVar variation 4815080 (VCV004815080.1).

ClinVar aggregate classification (germline): Likely pathogenic (1 of 4 stars; one submission).

Conditions:
Metachromatic leukodystrophy (MLD). Also called: Cerebral sclerosis diffuse metachromatic form; Arylsulfatase A Deficiency; ARSA DEFICIENCY; CEREBROSIDE SULFATASE DEFICIENCY; METACHROMATIC LEUKOENCEPHALOPATHY; SULFATIDE LIPIDOSIS. Identifiers: Orphanet 512, MedGen C0023522, MONDO:0018868, OMIM 250100.

Submission:

Natera, Inc.
Classification: Likely pathogenic for Metachromatic leukodystrophy. Last evaluated: 2024-10-14. Review status: criteria provided, single submitter. Criteria: Natera Variant Classification Schema (03/2026). Collection method: clinical testing. Allele origin: germline.
Comment: The c.379_383del variant in PSAP is a frameshift variant predicted to shift the reading frame beginning at codon 127 and leads to a stop codon 30 codons downstream. This variant is expected to result in nonsense mediated decay, truncation, or a dysfunctional protein product. This variant is rare in the general population with a frequency below the threshold expected for the associated phenotype(s). Given the available evidence, this variant is classified as Likely Pathogenic.